The following is an entry in ClinVar:

NM_001040113.2(MYH11):c.5817C>T (p.Pro1939=)

Genes: MYH11 (myosin heavy chain 11; minus strand), NDE1 (nudE neurodevelopment protein 1; plus strand). Cytogenetic location: 16p13.11.
Variant type: single nucleotide variant.
Coding change: c.5817C>T on transcript NM_001040113.2 (MANE Plus Clinical); coding-DNA position 5817, C replaced by T.
Protein change: p.Pro1939=; no amino-acid change (proline 1939 retained).
Molecular consequence: synonymous variant. On other transcripts: intron variant (4).
Genome position (GRCh38, 1-based): chr16:15,708,832, G>A on the plus strand (C>T on the coding strand, the complement: MYH11 is on the minus strand). VCF-style: chr16-15708832-G-A. GRCh37 (hg19) VCF-style: chr16-15802689-G-A.
Other names: c.5796C>T, p.Pro1932= (NM_022844.3); c.947+11972G>A (NM_001143979.2, NM_017668.3); c.5787-4709C>T (NM_002474.3); c.5808-4709C>T (NM_001040114.2).
Identifiers: ClinVar variation 1550838 (VCV001550838.10), dbSNP rs1057524493, ClinGen allele CA394844678.

ClinVar aggregate classification (germline): Likely benign. Review status: criteria provided, multiple submitters, no conflicts (2 of 4 stars). 2 submissions from 2 submitters: Likely benign (2). Last evaluated 2024-07-29.

Conditions:
Aortic aneurysm, familial thoracic 4 (AAT4). Also called: AORTIC ANEURYSM/AORTIC DISSECTION AND PATENT DUCTUS ARTERIOSUS. Identifiers: MedGen C1851504, MONDO:0007568, OMIM 132900.
Familial thoracic aortic aneurysm and aortic dissection (TAAD). Also called: Thoracic aortic aneurysms and dissections. Identifiers: Orphanet 91387, MedGen C4707243, MONDO:0019625.

Submissions (2):

All of Us Research Program, National Institutes of Health
Classification: Likely benign for Familial thoracic aortic aneurysm and aortic dissection. Last evaluated: 2024-07-29. Review status: criteria provided, single submitter. Criteria: ACMG Guidelines, 2015. Collection method: clinical testing. Allele origin: germline. Inheritance: Autosomal dominant inheritance. Observed: 2 variant alleles, 2 heterozygotes.
Comment: This study involves interpretation of variants in research participants for the purpose of population health screening. Participant phenotype was not available at the time of variant classification. Additional details can be found in publication PMID: 35346344, PMCID: PMC8962531

Labcorp Genetics (formerly Invitae), Labcorp
Classification: Likely benign for Aortic aneurysm, familial thoracic 4. Last evaluated: 2021-06-19. Review status: criteria provided, single submitter. Criteria: Invitae Variant Classification Sherloc (09022015). Collection method: clinical testing. Allele origin: germline.